The following is an entry in ClinVar:

NM_001105247.2(ARMC5):c.174C>T (p.Ile58=)

Gene: ARMC5 (armadillo repeat containing 5; plus strand). Cytogenetic location: 16p11.2.
Variant type: single nucleotide variant.
Coding change: c.174C>T on transcript NM_001105247.2 (MANE Select); coding-DNA position 174, C replaced by T.
Protein change: p.Ile58=; no amino-acid change (isoleucine 58 retained).
Molecular consequence: synonymous variant.
Genome position (GRCh38, 1-based): chr16:31,459,698, C>T. VCF-style: chr16-31459698-C-T. GRCh37 (hg19) VCF-style: chr16-31471019-C-T.
Other names: c.459C>T, p.Ile153= (NM_001288767.2); c.270C>T, p.Ile90= (NM_001301820.1); c.174C>T, p.Ile58= (NM_024742.2); c.459C>T (NM_001288767.1).
Identifiers: ClinVar variation 713380 (VCV000713380.7), dbSNP rs181081811, ClinGen allele CA8029373.

ClinVar aggregate classification (germline): Benign. Review status: criteria provided, multiple submitters, no conflicts (2 of 4 stars). 3 submissions from 3 submitters: Benign (2). 1 of the submissions does not count toward it. Last evaluated 2019-12-31.

Conditions:
ARMC5-related disorder. Also called: ARMC5-related condition.

Allele frequency attached by ClinVar (database versions not stated): gnomAD exomes 0.00107; ExAC 0.00170; ESP Exome Variant Server 0.00337; gnomAD 0.00467 and 0.00498; TOPMed 0.00497; 1000 Genomes Project 0.00519; 1000 Genomes Project 30x 0.00562.
gnomAD v4.1: 1,385 of 1,565,790 alleles (0.088%); highest among the groups gnomAD compares: African/African-American, 1.6%; 13 homozygotes.

Submissions (3):

Labcorp Genetics (formerly Invitae), Labcorp
Classification: Benign. Last evaluated: 2019-12-31. Review status: criteria provided, single submitter. Criteria: Invitae Variant Classification Sherloc (09022015). Collection method: clinical testing. Allele origin: germline.

Breakthrough Genomics
Classification: Benign. Review status: criteria provided, single submitter. Criteria: ACMG Guidelines, 2015. Collection method: not provided. Allele origin: germline. Inheritance: Autosomal dominant inheritance. Affected: yes.

PreventionGenetics, part of Exact Sciences
Classification: Likely benign for ARMC5-related condition. Last evaluated: 2020-02-21. Review status: no assertion criteria provided. Collection method: clinical testing. Allele origin: germline. Not counted in ClinVar's aggregate classification.
Comment: This variant is classified as likely benign based on ACMG/AMP sequence variant interpretation guidelines (Richards et al. 2015 PMID: 25741868, with internal and published modifications).